The following is an entry in ClinVar:

NM_002529.4(NTRK1):c.617A>T (p.Asp206Val)

Gene: NTRK1 (neurotrophic receptor tyrosine kinase 1; plus strand). Cytogenetic location: 1q23.1.
Variant type: single nucleotide variant.
Coding change: c.617A>T on transcript NM_002529.4 (MANE Select); coding-DNA position 617, A replaced by T.
Protein change: p.Asp206Val; replaces aspartic acid 206 with valine.
Molecular consequence: missense variant.
Genome position (GRCh38, 1-based): chr1:156,868,547, A>T. VCF-style: chr1-156868547-A-T. GRCh37 (hg19) VCF-style: chr1-156838339-A-T.
Other names: c.617A>T, p.Asp206Val (NM_001007204.1, NM_001012331.2); c.527A>T, p.Asp176Val (NM_001007792.1); short protein forms D206V, D176V.
Identifiers: ClinVar variation 1752045 (VCV001752045.8), dbSNP rs780300091, ClinGen allele CA1169057.

ClinVar aggregate classification (germline): Conflicting classifications of pathogenicity. Review status: criteria provided, conflicting classifications (1 of 4 stars). 2 submissions from 2 submitters: Uncertain significance (1); Likely benign (1). Last evaluated 2026-01-20.

Conditions:
Inborn genetic diseases. Identifiers: MedGen C0950123, MeSH D030342.
Hereditary insensitivity to pain with anhidrosis (CIPA). Also called: NEUROPATHY, CONGENITAL SENSORY, WITH ANHIDROSIS; HSAN Type IV; INSENSITIVITY TO PAIN, CONGENITAL, WITH ANHIDROSIS; FAMILIAL DYSAUTONOMIA, TYPE II; NTRK1 Congenital Insensitivity to Pain with Anhidrosis; hereditary sensory and autonomic neuropathy type 4. Identifiers: Orphanet 642, MedGen C0020074, MONDO:0009746, OMIM 256800.

Allele frequency attached by ClinVar (database versions not stated): gnomAD 0.00002; ExAC 0.00009.
gnomAD v4.1: 23 of 1,558,212 alleles (0.0015%); highest among the groups gnomAD compares: South Asian, 0.027%; no homozygotes.

Submissions (2):

Ambry Genetics
Classification: Uncertain significance for Inborn genetic diseases. Last evaluated: 2026-01-20. Review status: criteria provided, single submitter. Criteria: Ambry Variant Classification Scheme 2023. Collection method: clinical testing. Allele origin: germline.
Comment: The c.617A>T (p.D206V) alteration is located in exon 6 (coding exon 6) of the NTRK1 gene. This alteration results from a A to T substitution at nucleotide position 617, causing the aspartic acid (D) at amino acid position 206 to be replaced by a valine (V). Based on data from gnomAD, the T allele has an overall frequency of 0.005% (9/196852) total alleles studied. The highest observed frequency was 0.034% (8/23278) of South Asian alleles. Based on insufficient or conflicting evidence, the clinical significance of this alteration remains unclear.

Labcorp Genetics (formerly Invitae), Labcorp
Classification: Likely benign for Hereditary insensitivity to pain with anhidrosis. Last evaluated: 2024-03-01. Review status: criteria provided, single submitter. Criteria: Invitae Variant Classification Sherloc (09022015). Collection method: clinical testing. Allele origin: germline.